The following is an entry in ClinVar:

NM_001999.4(FBN2):c.7205_7206delinsTT (p.Arg2402Leu)

Gene: FBN2 (fibrillin 2; minus strand). Cytogenetic location: 5q23.3.
Variant type: Indel.
Coding change: c.7205_7206delinsTT on transcript NM_001999.4 (MANE Select); coding-DNA positions 7205 to 7206, GC replaced by TT.
Protein change: p.Arg2402Leu; replaces arginine 2402 with leucine.
Molecular consequence: missense variant.
Genome position (GRCh38, 1-based): chr5:128,278,774-128,278,775, GC replaced by AA on the plus strand (GC replaced by TT on the coding strand, the reverse complement: FBN2 is on the minus strand). VCF-style: chr5-128278774-GC-AA. GRCh37 (hg19) VCF-style: chr5-127614466-GC-AA.
Other names: short protein forms R2402L.
Identifiers: ClinVar variation 2004636 (VCV002004636.4), dbSNP rs2479651850, ClinGen allele CA2580072566.
Genomic context (GRCh38, chr5:128,278,774, plus strand): 5'-GCACTGGTGGCCCCAGCCTCGCCCACCATCACAGCAGCATTCTGACTTAGTGACGAGATT[GC>AA]GACTACTGGATGCCATTTGACATATTGTCTGCAGTACCTCTGCAAAGCAGAGACCCTGTC-3'
Protein context (NP_001990.2, residues 2392-2412): QTICQMASSS[Arg2402Leu]NLVTKSECCC

ClinVar aggregate classification (germline): Uncertain significance (1 of 4 stars; one submission).

Conditions:
Congenital contractural arachnodactyly (CCA). Also called: BEALS SYNDROME; Arthrogryposis, distal, type 9; Beals-Hecht syndrome. Identifiers: Orphanet 115, MedGen C0220668, MONDO:0007363, OMIM 121050.

Submission:

Labcorp Genetics (formerly Invitae), Labcorp
Classification: Uncertain significance for Congenital contractural arachnodactyly. Last evaluated: 2022-08-22. Review status: criteria provided, single submitter. Criteria: Invitae Variant Classification Sherloc (09022015). Collection method: clinical testing. Allele origin: germline.
Comment: This sequence change replaces arginine, which is basic and polar, with leucine, which is neutral and non-polar, at codon 2402 of the FBN2 protein (p.Arg2402Leu). Information on the frequency of this variant in the gnomAD database is not available, as this variant may be reported differently in the database. This variant has not been reported in the literature in individuals affected with FBN2-related conditions. Algorithms developed to predict the effect of missense changes on protein structure and function are either unavailable or do not agree on the potential impact of this missense change (SIFT: "Not Available"; PolyPhen-2: "Possibly Damaging"; Align-GVGD: "Not Available"). In summary, the available evidence is currently insufficient to determine the role of this variant in disease. Therefore, it has been classified as a Variant of Uncertain Significance.